The following is an entry in ClinVar:

NM_004656.4(BAP1):c.1582T>C (p.Ser528Pro)

Gene: BAP1 (BRCA1 associated deubiquitinase 1; minus strand). Cytogenetic location: 3p21.1.
Variant type: single nucleotide variant.
Coding change: c.1582T>C on transcript NM_004656.4 (MANE Select); coding-DNA position 1582, T replaced by C.
Protein change: p.Ser528Pro; replaces serine 528 with proline.
Molecular consequence: missense variant.
Genome position (GRCh38, 1-based): chr3:52,403,563, A>G on the plus strand (T>C on the coding strand, the complement: BAP1 is on the minus strand). VCF-style: chr3-52403563-A-G. GRCh37 (hg19) VCF-style: chr3-52437579-A-G.
Other names: short protein forms S528P.
Identifiers: ClinVar variation 961995 (VCV000961995.7), dbSNP rs201812308, ClinGen allele CA353100570.

ClinVar aggregate classification (germline): Uncertain significance (1 of 4 stars; one submission).

Conditions:
BAP1-related tumor predisposition syndrome (TPDS1). Also called: COMMON Syndrome; TUMOR PREDISPOSITION SYNDROME 1; Tumor susceptibility linked to germline BAP1 mutations; BAP1 tumor predisposition syndrome. Identifiers: Orphanet 289539, MedGen C3280492, MONDO:0013692, OMIM 614327.

Allele frequency attached by ClinVar (database versions not stated): gnomAD exomes below 0.00001; TOPMed 0.00001.
gnomAD v4.1: 4 of 1,614,030 alleles (0.00025%); highest among the groups gnomAD compares: Non-Finnish European, 0.00025%; no homozygotes.

Submission:

Labcorp Genetics (formerly Invitae), Labcorp
Classification: Uncertain significance for BAP1-related tumor predisposition syndrome. Last evaluated: 2025-07-29. Review status: criteria provided, single submitter. Criteria: Invitae Variant Classification Sherloc (09022015). Collection method: clinical testing. Allele origin: germline.
Comment: This sequence change replaces serine, which is neutral and polar, with proline, which is neutral and non-polar, at codon 528 of the BAP1 protein (p.Ser528Pro). This variant is not present in population databases (gnomAD no frequency). This variant has not been reported in the literature in individuals affected with BAP1-related conditions. ClinVar contains an entry for this variant (Variation ID: 961995). Invitae Evidence Modeling of protein sequence and biophysical properties (such as structural, functional, and spatial information, amino acid conservation, physicochemical variation, residue mobility, and thermodynamic stability) indicates that this missense variant is not expected to disrupt BAP1 protein function with a negative predictive value of 80%. In summary, the available evidence is currently insufficient to determine the role of this variant in disease. Therefore, it has been classified as a Variant of Uncertain Significance.